The following is an entry in ClinVar:

ClinVar aggregate classification (germline): Uncertain significance (1 of 4 stars; one submission).

Allele frequency attached by ClinVar (database versions not stated): TOPMed below 0.00001.
gnomAD v4.1: 2 of 1,613,920 alleles (0.00012%); highest among the groups gnomAD compares: Non-Finnish European, 0.00017%; no homozygotes.

Submission:

CeGaT Center for Human Genetics Tuebingen
Classification: Uncertain significance. Last evaluated: 2023-06-01. Review status: criteria provided, single submitter. Criteria: CeGaT Center For Human Genetics Tuebingen Variant Classification Criteria Version 2. Collection method: clinical testing. Allele origin: germline. Affected: yes. Observed: 1 variant allele.
Comment: DCC: PM2, PVS1:Moderate

NM_005215.4(DCC):c.3899-2A>T

Gene: DCC (DCC netrin 1 receptor; plus strand). Cytogenetic location: 18q21.2.
Variant type: single nucleotide variant.
Coding change: c.3899-2A>T on transcript NM_005215.4 (MANE Select); the canonical splice acceptor site of the intron before coding-DNA position 3899, A replaced by T.
Molecular consequence: splice acceptor variant.
Genome position (GRCh38, 1-based): chr18:53,499,296, A>T. VCF-style: chr18-53499296-A-T. GRCh37 (hg19) VCF-style: chr18-51025666-A-T.
Identifiers: ClinVar variation 2648731 (VCV002648731.24), dbSNP rs2046066358, ClinGen allele CA402516369.